The following is an entry in ClinVar:

ClinVar aggregate classification (germline): Uncertain significance. Review status: criteria provided, multiple submitters, no conflicts (2 of 4 stars). 2 submissions from 2 submitters: Uncertain significance (2). Last evaluated 2025-05-17.

Conditions:
Tuberous sclerosis 2 (TSC2). Identifiers: Orphanet 805, MedGen C1860707, MONDO:0013199, OMIM 613254.

Submissions (2):

Labcorp Genetics (formerly Invitae), Labcorp
Classification: Uncertain significance for Tuberous sclerosis 2. Last evaluated: 2025-05-17. Review status: criteria provided, single submitter. Criteria: Invitae Variant Classification Sherloc (09022015). Collection method: clinical testing. Allele origin: germline.
Comment: This sequence change replaces alanine, which is neutral and non-polar, with glycine, which is neutral and non-polar, at codon 210 of the TSC2 protein (p.Ala210Gly). This variant is not present in population databases (gnomAD no frequency). This variant has not been reported in the literature in individuals affected with TSC2-related conditions. ClinVar contains an entry for this variant (Variation ID: 1504144). Invitae Evidence Modeling of protein sequence and biophysical properties (such as structural, functional, and spatial information, amino acid conservation, physicochemical variation, residue mobility, and thermodynamic stability) indicates that this missense variant is not expected to disrupt TSC2 protein function with a negative predictive value of 95%. In summary, the available evidence is currently insufficient to determine the role of this variant in disease. Therefore, it has been classified as a Variant of Uncertain Significance.

GeneDx
Classification: Uncertain significance. Last evaluated: 2024-05-02. Review status: criteria provided, single submitter. Criteria: GeneDx Variant Classification Process June 2021. Collection method: clinical testing. Allele origin: germline. Affected: yes.
Comment: Not observed at significant frequency in large population cohorts (gnomAD); In silico analysis indicates that this missense variant does not alter protein structure/function; Has not been previously published as pathogenic or benign to our knowledge; This variant is associated with the following publications: (PMID: 18466115)

NM_000548.5(TSC2):c.629C>G (p.Ala210Gly)

Gene: TSC2 (TSC complex subunit 2; plus strand). Cytogenetic location: 16p13.3.
Variant type: single nucleotide variant.
Coding change: c.629C>G on transcript NM_000548.5 (MANE Select); coding-DNA position 629, C replaced by G.
Protein change: p.Ala210Gly; replaces alanine 210 with glycine.
Molecular consequence: missense variant.
Genome position (GRCh38, 1-based): chr16:2,056,225, C>G. VCF-style: chr16-2056225-C-G. GRCh37 (hg19) VCF-style: chr16-2106226-C-G.
Other names: c.629C>G (NM_000548.3); c.629C>G, p.Ala210Gly (NM_001077183.3, NM_001114382.3, NM_001363528.2 and 3 more transcripts); c.518C>G, p.Ala173Gly (NM_001318827.2); c.482C>G, p.Ala161Gly (NM_001318829.2); c.29C>G, p.Ala10Gly (NM_001318831.2); c.662C>G, p.Ala221Gly (NM_001318832.2); short protein forms A10G, A221G, A210G, A161G, A173G.
Identifiers: ClinVar variation 1504144 (VCV001504144.7), dbSNP rs764925296, ClinGen allele CA394310865.
Genomic context (GRCh38, chr16:2,056,225, plus strand): 5'-CTGCCGGGACTGAGCTCGGTGCTCCCTGCAGGATGATCTGTCTGCTGTGCGTCCGGACCG[C>G]GTCCTCTGTGGACATAGAGGTCAGTGCCTCCCCTCCCCAGGGCCGGCCCATTTCACCCTG-3'
Protein context (NP_000539.2, residues 200-220): QMICLLCVRT[Ala210Gly]SSVDIEVSLQ